The following is an entry in ClinVar:

NM_000045.4(ARG1):c.815del (p.Gly272fs)

Genes: ARG1 (arginase 1; plus strand), MED23 (mediator complex subunit 23; minus strand). Cytogenetic location: 6q23.2.
Variant type: Deletion.
Coding change: c.815del on transcript NM_000045.4 (MANE Select); coding-DNA position 815, one base deleted (G; older notation c.815delG).
Protein change: p.Gly272fs; shifts the reading frame from glycine 272.
Molecular consequence: frameshift variant. On other transcripts: non-coding transcript variant (1), intron variant (2).
Genome position (GRCh38, 1-based): chr6:131,583,754, G deleted; the last of 2 consecutive G bases (chr6:131,583,753-131,583,754); deleting either gives the same sequence. VCF-style (leftmost placement, unchanged base first): chr6-131583752-AG-A. GRCh37 (hg19) VCF-style: chr6-131904892-AG-A.
Other names: c.839del, p.Gly280fs (NM_001244438.2); c.560del, p.Gly187fs (NM_001369020.1); c.4077+3956del (NM_001270521.2); c.4095+3956del (NM_015979.4); short protein forms G187fs, G272fs, G280fs.
Identifiers: ClinVar variation 2678237 (VCV002678237.4), dbSNP rs1774059448, ClinGen allele CA1664137738.

ClinVar aggregate classification (germline): Pathogenic/Likely pathogenic. Review status: criteria provided, multiple submitters, no conflicts (2 of 4 stars). 2 submissions from 2 submitters: Pathogenic (1); Likely pathogenic (1). Last evaluated 2025-01-23.

Conditions:
Arginase deficiency. Also called: ARGININEMIA; ARG1 DEFICIENCY; Arginase 1 Deficiency. Identifiers: Orphanet 90, MedGen C0268548, MONDO:0008814, OMIM 207800.

Submissions (2):

Labcorp Genetics (formerly Invitae), Labcorp
Classification: Pathogenic for Arginase deficiency. Last evaluated: 2025-01-23. Review status: criteria provided, single submitter. Criteria: Invitae Variant Classification Sherloc (09022015). Collection method: clinical testing. Allele origin: germline.
Comment: This sequence change creates a premature translational stop signal (p.Gly272Aspfs*2) in the ARG1 gene. While this is not anticipated to result in nonsense mediated decay, it is expected to disrupt the last 51 amino acid(s) of the ARG1 protein. This variant is not present in population databases (gnomAD no frequency). This variant has not been reported in the literature in individuals affected with ARG1-related conditions. ClinVar contains an entry for this variant (Variation ID: 2678237). This variant disrupts a region of the ARG1 protein in which other variant(s) (p.Lys313Serfs*22) have been determined to be pathogenic (internal data). This suggests that this is a clinically significant region of the protein, and that variants that disrupt it are likely to be disease-causing. For these reasons, this variant has been classified as Pathogenic.

Baylor Genetics
Classification: Likely pathogenic for Arginase deficiency. Last evaluated: 2024-03-24. Review status: criteria provided, single submitter. Criteria: ACMG Guidelines, 2015. Collection method: clinical testing. Allele origin: unknown.